The following is an entry in ClinVar:

ClinVar aggregate classification (germline): Uncertain significance (1 of 4 stars; one submission).

Conditions:
Macroscopic hematuria. Identifiers: MedGen C0473237, HP:0012587.

Submission:

Institute of Human Genetics, University of Leipzig Medical Center
Classification: Uncertain significance for Macroscopic hematuria. Last evaluated: 2022-01-06. Review status: criteria provided, single submitter. Criteria: ACMG Guidelines, 2015. Collection method: clinical testing. Allele origin: unknown. Affected: yes.
Comment: _x000D_ Criteria applied: PM1_SUP, PM2_SUP, PP3

NM_005560.6(LAMA5):c.5303A>G (p.Asn1768Ser)

Gene: LAMA5 (laminin subunit alpha 5; minus strand). Cytogenetic location: 20q13.33.
Variant type: single nucleotide variant.
Coding change: c.5303A>G on transcript NM_005560.6 (MANE Select); coding-DNA position 5303, A replaced by G.
Protein change: p.Asn1768Ser; replaces asparagine 1768 with serine.
Molecular consequence: missense variant.
Genome position (GRCh38, 1-based): chr20:62,325,542, T>C on the plus strand (A>G on the coding strand, the complement: LAMA5 is on the minus strand). VCF-style: chr20-62325542-T-C. GRCh37 (hg19) VCF-style: chr20-60900598-T-C.
Other names: short protein forms N1768S.
Identifiers: ClinVar variation 1338781 (VCV001338781.1), dbSNP rs756544765, ClinGen allele CA409563646.